The following is an entry in ClinVar:

ClinVar aggregate classification (germline): Uncertain significance (1 of 4 stars; one submission).

Conditions:
Emery-Dreifuss muscular dystrophy 5, autosomal dominant (EDMD5). Also called: EMERY-DREIFUSS MUSCULAR DYSTROPHY 5. Identifiers: Orphanet 261, MedGen C2751805, MONDO:0013072, OMIM 612999.

Allele frequency attached by ClinVar (database versions not stated): ExAC 0.00001; gnomAD 0.00001; TOPMed 0.00002.
gnomAD v4.1: 7 of 1,614,050 alleles (0.00043%); highest among the groups gnomAD compares: East Asian, 0.0089%; no homozygotes.

Submission:

Labcorp Genetics (formerly Invitae), Labcorp
Classification: Uncertain significance for Emery-Dreifuss muscular dystrophy 5, autosomal dominant. Last evaluated: 2025-06-10. Review status: criteria provided, single submitter. Criteria: Invitae Variant Classification Sherloc (09022015). Collection method: clinical testing. Allele origin: germline.
Comment: This sequence change replaces asparagine, which is neutral and polar, with serine, which is neutral and polar, at codon 2493 of the SYNE2 protein (p.Asn2493Ser). This variant is present in population databases (rs752437538, gnomAD 0.003%). This variant has not been reported in the literature in individuals affected with SYNE2-related conditions. ClinVar contains an entry for this variant (Variation ID: 2055748). An algorithm developed to predict the effect of missense changes on protein structure and function outputs the following: PolyPhen-2: "Benign". The serine amino acid residue is found in multiple mammalian species, which suggests that this missense change does not adversely affect protein function. In summary, the available evidence is currently insufficient to determine the role of this variant in disease. Therefore, it has been classified as a Variant of Uncertain Significance.

NM_182914.3(SYNE2):c.7478A>G (p.Asn2493Ser)

Gene: SYNE2 (spectrin repeat containing nuclear envelope protein 2; plus strand). Cytogenetic location: 14q23.2.
Variant type: single nucleotide variant.
Coding change: c.7478A>G on transcript NM_182914.3 (MANE Select); coding-DNA position 7478, A replaced by G.
Protein change: p.Asn2493Ser; replaces asparagine 2493 with serine.
Molecular consequence: missense variant.
Genome position (GRCh38, 1-based): chr14:64,049,711, A>G. VCF-style: chr14-64049711-A-G. GRCh37 (hg19) VCF-style: chr14-64516429-A-G.
Other names: c.7478A>G, p.Asn2493Ser (NM_015180.6); short protein forms N2493S.
Identifiers: ClinVar variation 2055748 (VCV002055748.4), dbSNP rs752437538, ClinGen allele CA7220945.